The following is an entry in ClinVar:

ClinVar aggregate classification (germline): Uncertain significance (1 of 4 stars; one submission).

Submission:

Labcorp Genetics (formerly Invitae), Labcorp
Classification: Uncertain significance. Last evaluated: 2022-08-16. Review status: criteria provided, single submitter. Criteria: Invitae Variant Classification Sherloc (09022015). Collection method: clinical testing. Allele origin: germline.
Comment: In summary, the available evidence is currently insufficient to determine the role of this variant in disease. Therefore, it has been classified as a Variant of Uncertain Significance. Algorithms developed to predict the effect of sequence changes on RNA splicing suggest that this variant may disrupt the consensus splice site. Algorithms developed to predict the effect of missense changes on protein structure and function (SIFT, PolyPhen-2, Align-GVGD) all suggest that this variant is likely to be tolerated. ClinVar contains an entry for this variant (Variation ID: 1444268). This variant has not been reported in the literature in individuals affected with PEX3-related conditions. This variant is not present in population databases (gnomAD no frequency). This sequence change replaces aspartic acid, which is acidic and polar, with glycine, which is neutral and non-polar, at codon 305 of the PEX3 protein (p.Asp305Gly).

NM_003630.3(PEX3):c.914A>G (p.Asp305Gly)

Gene: PEX3 (peroxisomal biogenesis factor 3; plus strand). Cytogenetic location: 6q24.2.
Variant type: single nucleotide variant.
Coding change: c.914A>G on transcript NM_003630.3 (MANE Select); coding-DNA position 914, A replaced by G.
Protein change: p.Asp305Gly; replaces aspartic acid 305 with glycine.
Molecular consequence: missense variant.
Genome position (GRCh38, 1-based): chr6:143,479,171, A>G. VCF-style: chr6-143479171-A-G. GRCh37 (hg19) VCF-style: chr6-143800308-A-G.
Other names: short protein forms D305G.
Identifiers: ClinVar variation 1444268 (VCV001444268.6), dbSNP rs2128747482, ClinGen allele CA365886201.